The following is an entry in ClinVar:

ClinVar aggregate classification (germline): Uncertain significance. Review status: criteria provided, multiple submitters, no conflicts (2 of 4 stars). 2 submissions from 2 submitters: Uncertain significance (2). Last evaluated 2023-10-22.

Conditions:
Kabuki syndrome. Also called: Kabuki make-up syndrome; NIIKAWA-KUROKI SYNDROME. Identifiers: Orphanet 2322, MedGen C0796004, MONDO:0016512.

gnomAD v4.1: 4 of 1,607,688 alleles (0.00025%); highest among the groups gnomAD compares: East Asian, 0.0067%; no homozygotes.

Submissions (2):

Labcorp Genetics (formerly Invitae), Labcorp
Classification: Uncertain significance for Kabuki syndrome. Last evaluated: 2023-10-22. Review status: criteria provided, single submitter. Criteria: Invitae Variant Classification Sherloc (09022015). Collection method: clinical testing. Allele origin: germline.
Comment: This sequence change replaces tyrosine, which is neutral and polar, with cysteine, which is neutral and slightly polar, at codon 1998 of the KMT2D protein (p.Tyr1998Cys). This variant is not present in population databases (gnomAD no frequency). This missense change has been observed in individual(s) with Kabuki syndrome (PMID: 25142838, 30459467). ClinVar contains an entry for this variant (Variation ID: 1303257). Advanced modeling of protein sequence and biophysical properties (such as structural, functional, and spatial information, amino acid conservation, physicochemical variation, residue mobility, and thermodynamic stability) has been performed at Invitae for this missense variant, however the output from this modeling did not meet the statistical confidence thresholds required to predict the impact of this variant on KMT2D protein function. In summary, the available evidence is currently insufficient to determine the role of this variant in disease. Therefore, it has been classified as a Variant of Uncertain Significance.

GeneDx
Classification: Uncertain significance. Last evaluated: 2019-02-19. Review status: criteria provided, single submitter. Criteria: GeneDx Variant Classification Process June 2021. Collection method: clinical testing. Allele origin: germline. Affected: yes.
Comment: Not observed in large population cohorts (Lek et al., 2016); In silico analysis, which includes protein predictors and evolutionary conservation, supports a deleterious effect; This variant is associated with the following publications: (PMID: 25142838, 30459467)

Literature cited by the submitters: PubMed 25142838 (cited by Labcorp Genetics (formerly Invitae), Labcorp); PubMed 30459467 (cited by Labcorp Genetics (formerly Invitae), Labcorp).

NM_003482.4(KMT2D):c.5993A>G (p.Tyr1998Cys)

Gene: KMT2D (lysine methyltransferase 2D; minus strand). Cytogenetic location: 12q13.12.
Variant type: single nucleotide variant.
Coding change: c.5993A>G on transcript NM_003482.4 (MANE Select); coding-DNA position 5993, A replaced by G.
Protein change: p.Tyr1998Cys; replaces tyrosine 1998 with cysteine.
Molecular consequence: missense variant.
Genome position (GRCh38, 1-based): chr12:49,042,205, T>C on the plus strand (A>G on the coding strand, the complement: KMT2D is on the minus strand). VCF-style: chr12-49042205-T-C. GRCh37 (hg19) VCF-style: chr12-49435988-T-C.
Other names: short protein forms Y1998C.
Identifiers: ClinVar variation 1303257 (VCV001303257.5), dbSNP rs1292951816, ClinGen allele CA384627176.